The following is an entry in ClinVar:

ClinVar aggregate classification (germline): Conflicting classifications of pathogenicity. Review status: criteria provided, conflicting classifications (1 of 4 stars). 5 submissions from 5 submitters: Uncertain significance (4); Likely benign (1). Last evaluated 2025-11-28.

Conditions:
ALPK3-related disorder. Also called: ALPK3-related condition.
Cardiovascular phenotype. Identifiers: MedGen CN230736.

Allele frequency attached by ClinVar (database versions not stated): gnomAD 0.00002; TOPMed 0.00002; gnomAD exomes 0.00003 and 0.00004; ExAC 0.00004; ESP Exome Variant Server 0.00008; 1000 Genomes Project 30x 0.00016; 1000 Genomes Project 0.00020.
gnomAD v4.1: 46 of 1,614,020 alleles (0.0029%); highest among the groups gnomAD compares: South Asian, 0.0033%; no homozygotes.

Submissions (5):

Women's Health and Genetics/Laboratory Corporation of America, LabCorp
Classification: Uncertain significance. Last evaluated: 2025-11-28. Review status: criteria provided, single submitter. Criteria: LabCorp Variant Classification Summary - May 2015. Collection method: clinical testing. Allele origin: germline.

PreventionGenetics, part of Exact Sciences
Classification: Uncertain significance for ALPK3-related condition. Last evaluated: 2025-08-28. Review status: criteria provided, single submitter. Criteria: ACMG Guidelines, 2015. Collection method: clinical testing. Allele origin: germline.
Comment: The ALPK3 c.3133C>T variant is predicted to result in the amino acid substitution p.Arg1045Trp. To our knowledge, this variant has not been reported in the literature. This variant is reported in 0.023% of alleles in individuals of European (Finnish) descent in gnomAD. At this time, the clinical significance of this variant is uncertain due to the absence of conclusive functional and genetic evidence.

Labcorp Genetics (formerly Invitae), Labcorp
Classification: Uncertain significance. Last evaluated: 2024-07-06. Review status: criteria provided, single submitter. Criteria: Invitae Variant Classification Sherloc (09022015). Collection method: clinical testing. Allele origin: germline.
Comment: This sequence change replaces arginine, which is basic and polar, with tryptophan, which is neutral and slightly polar, at codon 1045 of the ALPK3 protein (p.Arg1045Trp). This variant is present in population databases (rs367609681, gnomAD 0.02%). This variant has not been reported in the literature in individuals affected with ALPK3-related conditions. ClinVar contains an entry for this variant (Variation ID: 1493816). Algorithms developed to predict the effect of missense changes on protein structure and function output the following: SIFT: "Not Available"; PolyPhen-2: "Benign"; Align-GVGD: "Not Available". The tryptophan amino acid residue is found in multiple mammalian species, which suggests that this missense change does not adversely affect protein function. In summary, the available evidence is currently insufficient to determine the role of this variant in disease. Therefore, it has been classified as a Variant of Uncertain Significance.

Blueprint Genetics
Classification: Likely benign. Last evaluated: 2023-03-21. Review status: criteria provided, single submitter. Criteria: ACMG Guidelines, 2015. Collection method: clinical testing. Allele origin: germline.

Ambry Genetics
Classification: Uncertain significance for Cardiovascular phenotype. Last evaluated: 2021-12-30. Review status: criteria provided, single submitter. Criteria: Ambry Variant Classification Scheme 2023. Collection method: clinical testing. Allele origin: germline.
Comment: The p.R1045W variant (also known as c.3133C>T), located in coding exon 6 of the ALPK3 gene, results from a C to T substitution at nucleotide position 3133. The arginine at codon 1045 is replaced by tryptophan, an amino acid with dissimilar properties. This amino acid position is poorly conserved in available vertebrate species. In addition, this alteration is predicted to be tolerated by in silico analysis. Since supporting evidence is limited at this time, the clinical significance of this alteration remains unclear.

NM_020778.5(ALPK3):c.2527C>T (p.Arg843Trp)

Gene: ALPK3 (alpha kinase 3; plus strand). Cytogenetic location: 15q25.3.
Variant type: single nucleotide variant.
Coding change: c.2527C>T on transcript NM_020778.5 (MANE Select); coding-DNA position 2527, C replaced by T.
Protein change: p.Arg843Trp; replaces arginine 843 with tryptophan.
Molecular consequence: missense variant.
Genome position (GRCh38, 1-based): chr15:84,857,265, C>T. VCF-style: chr15-84857265-C-T. GRCh37 (hg19) VCF-style: chr15-85400496-C-T.
Other names: short protein forms R843W.
Identifiers: ClinVar variation 1493816 (VCV001493816.13), dbSNP rs367609681, ClinGen allele CA7709437.